The following is an entry in ClinVar:

NM_001458.5(FLNC):c.4055G>A (p.Arg1352His)

Gene: FLNC (filamin C; plus strand). Cytogenetic location: 7q32.1.
Variant type: single nucleotide variant.
Coding change: c.4055G>A on transcript NM_001458.5 (MANE Select); coding-DNA position 4055, G replaced by A.
Protein change: p.Arg1352His; replaces arginine 1352 with histidine.
Molecular consequence: missense variant.
Genome position (GRCh38, 1-based): chr7:128,846,391, G>A. VCF-style: chr7-128846391-G-A. GRCh37 (hg19) VCF-style: chr7-128486445-G-A.
Other names: c.4055G>A, p.Arg1352His (NM_001127487.2); short protein forms R1352H.
Identifiers: ClinVar variation 645204 (VCV000645204.20), dbSNP rs746731567, ClinGen allele CA4475230.

ClinVar aggregate classification (germline): Conflicting classifications of pathogenicity. Review status: criteria provided, conflicting classifications (1 of 4 stars). 9 submissions from 9 submitters: Uncertain significance (7); Likely benign (2). Last evaluated 2025-12-03.

Conditions:
Distal myopathy with posterior leg and anterior hand involvement. Also called: WILLIAMS DISTAL MYOPATHY. Identifiers: Orphanet 63273, MedGen C3279722, MONDO:0013550, OMIM 614065.
Myofibrillar myopathy 5. Also called: Filaminopathy (type); FILAMINOPATHY, AUTOSOMAL DOMINANT. Identifiers: Orphanet 171445, MedGen C1836050, MONDO:0012289, OMIM 609524.
Hypertrophic cardiomyopathy 26. Also called: Cardiomyopathy, familial hypertrophic, 26. Identifiers: Orphanet 75249, MedGen C4310749, MONDO:0014883, OMIM 617047.
FLNC-related disorder. Also called: FLNC-related condition; FLNC-related disorders.
Cardiovascular phenotype. Identifiers: MedGen CN230736.

Allele frequency attached by ClinVar (database versions not stated): gnomAD exomes 0.00005; gnomAD 0.00003 and 0.00004; ExAC 0.00004; TOPMed 0.00004.
gnomAD v4.1: 107 of 1,611,162 alleles (0.0066%); highest among the groups gnomAD compares: Middle Eastern, 0.033%; no homozygotes.

Submissions (9):

Labcorp Genetics (formerly Invitae), Labcorp
Classification: Uncertain significance for Distal myopathy with posterior leg and anterior hand involvement; Myofibrillar myopathy 5; Hypertrophic cardiomyopathy 26. Last evaluated: 2025-12-03. Review status: criteria provided, single submitter. Criteria: Invitae Variant Classification Sherloc (09022015). Collection method: clinical testing. Allele origin: germline.
Comment: This sequence change replaces arginine, which is basic and polar, with histidine, which is basic and polar, at codon 1352 of the FLNC protein (p.Arg1352His). This variant is present in population databases (rs746731567, gnomAD 0.009%), and has an allele count higher than expected for a pathogenic variant. This variant has not been reported in the literature in individuals affected with FLNC-related conditions. ClinVar contains an entry for this variant (Variation ID: 645204). Invitae Evidence Modeling of protein sequence and biophysical properties (such as structural, functional, and spatial information, amino acid conservation, physicochemical variation, residue mobility, and thermodynamic stability) has been performed for this missense variant. However, the output from this modeling did not meet the statistical confidence thresholds required to predict the impact of this variant on FLNC protein function. In summary, the available evidence is currently insufficient to determine the role of this variant in disease. Therefore, it has been classified as a Variant of Uncertain Significance.

PreventionGenetics, part of Exact Sciences
Classification: Uncertain significance for FLNC-related condition. Last evaluated: 2025-07-21. Review status: criteria provided, single submitter. Criteria: ACMG Guidelines, 2015. Collection method: clinical testing. Allele origin: germline.
Comment: The FLNC c.4055G>A variant is predicted to result in the amino acid substitution p.Arg1352His. To our knowledge, this variant has not been reported in the literature. This variant is reported in 0.0087% of alleles in individuals of Latino descent in gnomAD. At this time, the clinical significance of this variant is uncertain due to the absence of conclusive functional and genetic evidence.

Ambry Genetics
Classification: Uncertain significance for Cardiovascular phenotype. Last evaluated: 2025-05-22. Review status: criteria provided, single submitter. Criteria: Ambry Variant Classification Scheme 2023. Collection method: clinical testing. Allele origin: germline.
Comment: The p.R1352H variant (also known as c.4055G>A), located in coding exon 23 of the FLNC gene, results from a G to A substitution at nucleotide position 4055. The arginine at codon 1352 is replaced by histidine, an amino acid with highly similar properties. This amino acid position is conserved. In addition, this alteration is predicted to be deleterious by in silico analysis. Since supporting evidence is limited at this time, the clinical significance of this alteration remains unclear.

Molecular Diagnostic Laboratory for Inherited Cardiovascular Disease, Montreal Heart Institute
Classification: Uncertain significance for Cardiovascular phenotype. Last evaluated: 2025-04-09. Review status: criteria provided, single submitter. Criteria: ACMG Guidelines, 2015. Collection method: clinical testing. Allele origin: germline. Affected: yes.

Blueprint Genetics
Classification: Likely benign. Last evaluated: 2024-01-10. Review status: criteria provided, single submitter. Criteria: ACMG Guidelines, 2015. Collection method: clinical testing. Allele origin: germline.

Women's Health and Genetics/Laboratory Corporation of America, LabCorp
Classification: Likely benign. Last evaluated: 2023-11-09. Review status: criteria provided, single submitter. Criteria: LabCorp Variant Classification Summary - May 2015. Collection method: clinical testing. Allele origin: germline.
Comment: Variant summary: FLNC c.4055G>A (p.Arg1352His) results in a non-conservative amino acid change in the encoded protein sequence. Five of five in-silico tools predict a damaging effect of the variant on protein function. The variant allele was found at a frequency of 5.3e-05 in 247064 control chromosomes (gnomAD). The observed variant frequency is approximately 5 fold of the estimated maximal expected allele frequency for a pathogenic variant in FLNC causing Cardiomyopathy phenotype (1.1e-05), strongly suggesting that the variant is benign. c.4055G>A has been reported in the literature in at least one individual affected with Hypertrophic cardiomyopathy (Mao_2020). These reports do not provide unequivocal conclusions about association of the variant with Cardiomyopathy. To our knowledge, no experimental evidence demonstrating an impact on protein function has been reported. The following publications have been ascertained in the context of this evaluation (PMID: 33557094, 32295012). Three submitters have cited clinical-significance assessments for this variant to ClinVar after 2014. All submitters classified the variant as uncertain significance. Based on the evidence outlined above, the variant was classified as likely benign.

Revvity Omics, Revvity
Classification: Uncertain significance. Last evaluated: 2023-05-16. Review status: criteria provided, single submitter. Criteria: ACMG Guidelines, 2015. Collection method: clinical testing. Allele origin: germline.

Fulgent Genetics
Classification: Uncertain significance for Myofibrillar myopathy 5; Distal myopathy with posterior leg and anterior hand involvement; Hypertrophic cardiomyopathy 26. Last evaluated: 2021-08-11. Review status: criteria provided, single submitter. Criteria: ACMG Guidelines, 2015. Collection method: clinical testing. Allele origin: unknown.

GeneDx
Classification: Uncertain significance. Last evaluated: 2020-12-01. Review status: criteria provided, single submitter. Criteria: GeneDx Variant Classification Process June 2021. Collection method: clinical testing. Allele origin: germline. Affected: yes.
Comment: In silico analysis supports that this missense variant has a deleterious effect on protein structure/function; Has not been previously published as pathogenic or benign to our knowledge

Literature cited by the submitters: PubMed 33557094 (cited by Women's Health and Genetics/Laboratory Corporation of America, LabCorp); PubMed 32295012 (cited by Women's Health and Genetics/Laboratory Corporation of America, LabCorp).